The following is an entry in ClinVar:

NM_004959.5(NR5A1):c.143C>T (p.Thr48Met)

Gene: NR5A1 (nuclear receptor subfamily 5 group A member 1; minus strand). Cytogenetic location: 9q33.3.
Variant type: single nucleotide variant.
Coding change: c.143C>T on transcript NM_004959.5 (MANE Select); coding-DNA position 143, C replaced by T.
Protein change: p.Thr48Met; replaces threonine 48 with methionine.
Molecular consequence: missense variant.
Genome position (GRCh38, 1-based): chr9:124,503,180, G>A on the plus strand (C>T on the coding strand, the complement: NR5A1 is on the minus strand). VCF-style: chr9-124503180-G-A. GRCh37 (hg19) VCF-style: chr9-127265459-G-A.
Other names: short protein forms T48M.
Identifiers: ClinVar variation 3384442 (VCV003384442.1).
Genomic context (GRCh38, chr9:124,503,180, plus strand): 5'-CAGAAGGGACAGCGCTTGCGCTGCGTCTTGTCGATCTTGCAGCTCTGGCTCTCGGTGCAC[G>A]TGTAGTGCTTGTTGTTCTGCACCGTGCGCTTGAAGAAGCCCTGCGGGAGCTGAGAGTCAG-3'
Protein context (NP_004950.2, residues 38-58): KRTVQNNKHY[Thr48Met]CTESQSCKID

ClinVar aggregate classification (germline): Uncertain significance (1 of 4 stars; one submission).

gnomAD v4.1: 1 of 1,602,928 alleles (0.000062%); highest among the groups gnomAD compares: South Asian, 0.0011%; no homozygotes.

Submission:

GeneDx
Classification: Uncertain significance. Last evaluated: 2024-05-28. Review status: criteria provided, single submitter. Criteria: GeneDx Variant Classification Process June 2021. Collection method: clinical testing. Allele origin: germline. Affected: yes.
Comment: Not observed at significant frequency in large population cohorts (gnomAD); In silico analysis supports that this missense variant has a deleterious effect on protein structure/function; Has not been previously published as pathogenic or benign to our knowledge; This variant is associated with the following publications: (PMID: 32738419)